The following is an entry in ClinVar:

NM_001148.6(ANK2):c.4662A>C (p.Arg1554Ser)

Gene: ANK2 (ankyrin 2; plus strand). Cytogenetic location: 4q26.
Variant type: single nucleotide variant.
Coding change: c.4662A>C on transcript NM_001148.6 (MANE Select); coding-DNA position 4662, A replaced by C.
Protein change: p.Arg1554Ser; replaces arginine 1554 with serine.
Molecular consequence: missense variant. On other transcripts: intron variant (68).
Genome position (GRCh38, 1-based): chr4:113,353,280, A>C. VCF-style: chr4-113353280-A-C. GRCh37 (hg19) VCF-style: chr4-114274436-A-C.
Other names: c.4428A>C, p.Arg1476Ser (NM_001386142.1); c.1062A>C, p.Arg354Ser (NM_001386166.1); c.4803A>C, p.Arg1601Ser (NM_001386174.1); c.4779A>C, p.Arg1593Ser (NM_001386175.1); c.4411+3031A>C (NM_001386186.2, NM_001386148.2); c.4213+3031A>C (NM_001354269.3); c.4291+3031A>C (NM_001386187.2); c.4252+3031A>C (NM_001386147.1); and 35 more; short protein forms R1476S, R1593S, R1601S, R354S, R1554S.
Identifiers: ClinVar variation 2058740 (VCV002058740.4), dbSNP rs959954083, ClinGen allele CA103810618.

ClinVar aggregate classification (germline): Uncertain significance (1 of 4 stars; one submission).

Conditions:
Long QT syndrome (LQTS). Identifiers: MedGen C0023976, MeSH D008133, MONDO:0002442. Disease mechanism: loss of function. Inheritance: Various modes of inheritance.

Allele frequency attached by ClinVar (database versions not stated): gnomAD exomes below 0.00001.
gnomAD v4.1: 1 of 1,613,908 alleles (0.000062%); highest among the groups gnomAD compares: Non-Finnish European, 0.000085%; no homozygotes.

Submission:

Labcorp Genetics (formerly Invitae), Labcorp
Classification: Uncertain significance for Long QT syndrome. Last evaluated: 2021-12-24. Review status: criteria provided, single submitter. Criteria: Invitae Variant Classification Sherloc (09022015). Collection method: clinical testing. Allele origin: germline.
Comment: This sequence change replaces arginine, which is basic and polar, with serine, which is neutral and polar, at codon 1554 of the ANK2 protein (p.Arg1554Ser). This variant is not present in population databases (gnomAD no frequency). This variant has not been reported in the literature in individuals affected with ANK2-related conditions. Algorithms developed to predict the effect of missense changes on protein structure and function are either unavailable or do not agree on the potential impact of this missense change (SIFT: "Deleterious"; PolyPhen-2: "Benign"; Align-GVGD: "Class C0"). In summary, the available evidence is currently insufficient to determine the role of this variant in disease. Therefore, it has been classified as a Variant of Uncertain Significance.